The following is an entry in ClinVar:

ClinVar aggregate classification (germline): Uncertain significance (1 of 4 stars; one submission).

gnomAD v4.1: 3 of 1,613,508 alleles (0.00019%); highest among the groups gnomAD compares: Admixed American, 0.005%; no homozygotes.

Submission:

Labcorp Genetics (formerly Invitae), Labcorp
Classification: Uncertain significance. Last evaluated: 2022-08-15. Review status: criteria provided, single submitter. Criteria: Invitae Variant Classification Sherloc (09022015). Collection method: clinical testing. Allele origin: germline.
Comment: This sequence change replaces glycine, which is neutral and non-polar, with aspartic acid, which is acidic and polar, at codon 2280 of the USH2A protein (p.Gly2280Asp). This variant is not present in population databases (gnomAD no frequency). This variant has not been reported in the literature in individuals affected with USH2A-related conditions. ClinVar contains an entry for this variant (Variation ID: 1440222). Algorithms developed to predict the effect of missense changes on protein structure and function output the following: SIFT: "Tolerated"; PolyPhen-2: "Benign"; Align-GVGD: "Class C0". The aspartic acid amino acid residue is found in multiple mammalian species, which suggests that this missense change does not adversely affect protein function. In summary, the available evidence is currently insufficient to determine the role of this variant in disease. Therefore, it has been classified as a Variant of Uncertain Significance.

NM_206933.4(USH2A):c.6839G>A (p.Gly2280Asp)

Gene: USH2A (usherin; minus strand). Cytogenetic location: 1q41.
Variant type: single nucleotide variant.
Coding change: c.6839G>A on transcript NM_206933.4 (MANE Select); coding-DNA position 6839, G replaced by A.
Protein change: p.Gly2280Asp; replaces glycine 2280 with aspartic acid.
Molecular consequence: missense variant.
Genome position (GRCh38, 1-based): chr1:215,970,743, C>T on the plus strand (G>A on the coding strand, the complement: USH2A is on the minus strand). VCF-style: chr1-215970743-C-T. GRCh37 (hg19) VCF-style: chr1-216144085-C-T.
Other names: short protein forms G2280D.
Identifiers: ClinVar variation 1440222 (VCV001440222.3), dbSNP rs200437181, ClinGen allele CA344854566.